The following is an entry in ClinVar:

NM_001003694.2(BRPF1):c.1333G>A (p.Asp445Asn)

Gene: BRPF1 (bromodomain and PHD finger containing 1; plus strand). Cytogenetic location: 3p25.3.
Variant type: single nucleotide variant.
Coding change: c.1333G>A on transcript NM_001003694.2 (MANE Select); coding-DNA position 1333, G replaced by A.
Protein change: p.Asp445Asn; replaces aspartic acid 445 with asparagine.
Molecular consequence: missense variant. On other transcripts: non-coding transcript variant (1).
Genome position (GRCh38, 1-based): chr3:9,739,732, G>A. VCF-style: chr3-9739732-G-A. GRCh37 (hg19) VCF-style: chr3-9781416-G-A.
Other names: c.1333G>A, p.Asp445Asn (NM_001319049.2, NM_001319050.2, NM_001410704.1 and 1 more transcripts); short protein forms D445N.
Identifiers: ClinVar variation 2503365 (VCV002503365.2), dbSNP rs2471473519, ClinGen allele CA351688081.
Genomic context (GRCh38, chr3:9,739,732, plus strand): 5'-CCTGTGCGGGAGACAGGCGCCAACGGCACCTCTTTCAGTGTCCGCAAGACAGCCTACTGC[G>A]ACATCCACACGCCTCCAGGTTCAGCACGCCGACTGCCTGCCCTGTCCCACAGCGAGGGTG-3'
Protein context (NP_001003694.1, residues 435-455): SFSVRKTAYC[Asp445Asn]IHTPPGSARR

ClinVar aggregate classification (germline): Uncertain significance. Review status: criteria provided, multiple submitters, no conflicts (2 of 4 stars). 2 submissions from 2 submitters: Uncertain significance (2). Last evaluated 2026-01-21.

Conditions:
Inborn genetic diseases. Identifiers: MedGen C0950123, MeSH D030342.

Allele frequency attached by ClinVar (database versions not stated): gnomAD exomes below 0.00001.
gnomAD v4.1: 2 of 1,614,074 alleles (0.00012%); highest among the groups gnomAD compares: Non-Finnish European, 0.00017%; no homozygotes.

Submissions (2):

Ambry Genetics
Classification: Uncertain significance for Inborn genetic diseases. Last evaluated: 2026-01-21. Review status: criteria provided, single submitter. Criteria: Ambry Variant Classification Scheme 2023. Collection method: clinical testing. Allele origin: germline.

GeneDx
Classification: Uncertain significance. Last evaluated: 2022-11-28. Review status: criteria provided, single submitter. Criteria: GeneDx Variant Classification Process June 2021. Collection method: clinical testing. Allele origin: germline. Affected: yes.
Comment: Not observed at significant frequency in large population cohorts (gnomAD); In silico analysis supports that this missense variant has a deleterious effect on protein structure/function; Has not been previously published as pathogenic or benign to our knowledge